The following is an entry in ClinVar:

ClinVar aggregate classification (germline): Likely benign (1 of 4 stars; one submission).

Conditions:
PLXNA1-related disorder. Also called: PLXNA1-related condition.

gnomAD v4.1: 3 of 1,587,828 alleles (0.00019%); highest among the groups gnomAD compares: Non-Finnish European, 0.00017%; no homozygotes.

Submission:

PreventionGenetics, part of Exact Sciences
Classification: Likely benign for PLXNA1-related condition. Last evaluated: 2025-12-26. Review status: criteria provided, single submitter. Criteria: ACMG Guidelines, 2015. Collection method: clinical testing. Allele origin: germline.
Comment: This variant is classified as likely benign based on ACMG/AMP sequence variant interpretation guidelines (Richards et al. 2015 PMID: 25741868, with internal and published modifications).

NM_032242.4(PLXNA1):c.1356G>T (p.Thr452=)

Gene: PLXNA1 (plexin A1; plus strand). Cytogenetic location: 3q21.3.
Variant type: single nucleotide variant.
Coding change: c.1356G>T on transcript NM_032242.4 (MANE Select); coding-DNA position 1356, G replaced by T.
Protein change: p.Thr452=; no amino-acid change (threonine 452 retained).
Molecular consequence: synonymous variant.
Genome position (GRCh38, 1-based): chr3:126,991,545, G>T. VCF-style: chr3-126991545-G-T. GRCh37 (hg19) VCF-style: chr3-126710388-G-T.
Identifiers: ClinVar variation 4977601 (VCV004977601.1).